The following is an entry in ClinVar:

ClinVar aggregate classification (germline): Uncertain significance. Review status: criteria provided, multiple submitters, no conflicts (2 of 4 stars). 2 submissions from 2 submitters: Uncertain significance (2). Last evaluated 2021-08-18.

Conditions:
Autosomal recessive inherited pseudoxanthoma elasticum (PXE). Identifiers: Orphanet 758, MedGen CN032334, MONDO:0009925, OMIM 264800.
Pseudoxanthoma elasticum, forme fruste. Also called: PSEUDOXANTHOMA ELASTICUM, HETEROZYGOUS; Pseudoxanthoma Elasticum, Incomplete. Identifiers: Orphanet 758, MedGen C1867450, MONDO:0008333, OMIM 177850.
Arterial calcification, generalized, of infancy, 2. Identifiers: Orphanet 51608, MedGen C3276161, MONDO:0013768, OMIM 614473.

Allele frequency attached by ClinVar (database versions not stated): gnomAD exomes below 0.00001; TOPMed 0.00001.
gnomAD v4.1: 1 of 1,614,104 alleles (0.000062%); highest among the groups gnomAD compares: Admixed American, 0.0017%; no homozygotes.

Submissions (2):

Fulgent Genetics
Classification: Uncertain significance for Pseudoxanthoma elasticum, forme fruste; Autosomal recessive inherited pseudoxanthoma elasticum; Arterial calcification, generalized, of infancy, 2. Last evaluated: 2021-08-18. Review status: criteria provided, single submitter. Criteria: ACMG Guidelines, 2015. Collection method: clinical testing. Allele origin: unknown.

Labcorp Genetics (formerly Invitae), Labcorp
Classification: Uncertain significance. Last evaluated: 2021-02-02. Review status: criteria provided, single submitter. Criteria: Invitae Variant Classification Sherloc (09022015). Collection method: clinical testing. Allele origin: germline.
Comment: Advanced modeling of protein sequence and biophysical properties (such as structural, functional, and spatial information, amino acid conservation, physicochemical variation, residue mobility, and thermodynamic stability) performed at Invitae indicates that this missense variant is expected to disrupt ABCC6 protein function. This variant has not been reported in the literature in individuals with ABCC6-related conditions. This variant is not present in population databases (ExAC no frequency). This sequence change replaces tryptophan with arginine at codon 431 of the ABCC6 protein (p.Trp431Arg). The tryptophan residue is highly conserved and there is a moderate physicochemical difference between tryptophan and arginine. In summary, the available evidence is currently insufficient to determine the role of this variant in disease. Therefore, it has been classified as a Variant of Uncertain Significance.

NM_001171.6(ABCC6):c.1291T>C (p.Trp431Arg)

Gene: ABCC6 (ATP binding cassette subfamily C member 6; minus strand). Cytogenetic location: 16p13.11.
Variant type: single nucleotide variant.
Coding change: c.1291T>C on transcript NM_001171.6 (MANE Select); coding-DNA position 1291, T replaced by C.
Protein change: p.Trp431Arg; replaces tryptophan 431 with arginine.
Molecular consequence: missense variant. On other transcripts: non-coding transcript variant (1).
Genome position (GRCh38, 1-based): chr16:16,198,068, A>G on the plus strand (T>C on the coding strand, the complement: ABCC6 is on the minus strand). VCF-style: chr16-16198068-A-G. GRCh37 (hg19) VCF-style: chr16-16291925-A-G.
Other names: c.949T>C, p.Trp317Arg (NM_001351800.1); short protein forms W431R, W317R.
Identifiers: ClinVar variation 1464096 (VCV001464096.9), dbSNP rs2048112873, ClinGen allele CA394890247.
Genomic context (GRCh38, chr16:16,198,068, plus strand): 5'-TCCTCTGGCATACCTGCCAGAGATAGACGAAGCAGACCACGATCCAGACGAGAGGCAGCC[A>G]CAGCCCGTTGAGGTAGAGGACGCTCTCGGTCAGCCGCTGCACGTCCACGGACACCAGATT-3'
Protein context (NP_001162.5, residues 421-441): TESVLYLNGL[Trp431Arg]LPLVWIVVCF